The following is an entry in ClinVar:

ClinVar aggregate classification (germline): Uncertain significance (1 of 4 stars; one submission).

gnomAD v4.1: 1 of 1,613,948 alleles (0.000062%); highest among the groups gnomAD compares: African/African-American, 0.0013%; no homozygotes.

Submission:

Dasa
Classification: Uncertain significance. Last evaluated: 2026-05-04. Review status: criteria provided, single submitter. Criteria: DASA Assertion Criteria. Collection method: clinical testing. Allele origin: germline.
Comment: NM_001378120.1(MBD5):c.4362T>A (p.His1454Gln) is a missense variant that results in the substitution of histidine with glutamine. This variant is rare in population databases. Computational prediction algorithms are consistent with a benign effect. The currently available literature and clinical evidence are not sufficient to establish a definitive association between this variant and the reported condition. Therefore, this variant is classified as a variant of uncertain significance.

NM_001378120.1(MBD5):c.4362T>A (p.His1454Gln)

Gene: MBD5 (methyl-CpG binding domain protein 5; plus strand). Cytogenetic location: 2q23.1.
Variant type: single nucleotide variant.
Coding change: c.4362T>A on transcript NM_001378120.1 (MANE Select); coding-DNA position 4362, T replaced by A.
Protein change: p.His1454Gln; replaces histidine 1454 with glutamine.
Molecular consequence: missense variant.
Genome position (GRCh38, 1-based): chr2:148,489,994, T>A. VCF-style: chr2-148489994-T-A. GRCh37 (hg19) VCF-style: chr2-149247563-T-A.
Other names: c.4362T>A, p.His1454Gln (NM_001438854.1, NM_001438856.1, NM_001438857.1 and 1 more transcripts); c.3663T>A, p.His1221Gln (NM_001438855.1, NM_001438859.1, NM_001438860.1 and 3 more transcripts); short protein forms H1221Q, H1454Q.
Identifiers: ClinVar variation 5020636 (VCV005020636.1).